The following is an entry in ClinVar:

NM_000088.4(COL1A1):c.903+3G>A

Genes: COL1A1 (collagen type I alpha 1 chain; minus strand), LOC126862586 (CDK7 strongly-dependent group 2 enhancer GRCh37_chr17:48273702-48274901; plus strand). Cytogenetic location: 17q21.33.
Variant type: single nucleotide variant.
Coding change: c.903+3G>A on transcript NM_000088.4 (MANE Select); 3 bases into the intron after coding-DNA position 903, G replaced by A.
Molecular consequence: intron variant.
Genome position (GRCh38, 1-based): chr17:50,196,481, C>T on the plus strand (G>A on the coding strand, the complement: COL1A1 is on the minus strand). VCF-style: chr17-50196481-C-T. GRCh37 (hg19) VCF-style: chr17-48273842-C-T.
Identifiers: ClinVar variation 640702 (VCV000640702.9), dbSNP rs748604968, ClinGen allele CA8645506.

ClinVar aggregate classification (germline): Uncertain significance (1 of 4 stars; one submission).

Conditions:
Osteogenesis imperfecta type I (OI1). Also called: OI, TYPE I; OSTEOGENESIS IMPERFECTA TARDA; OSTEOGENESIS IMPERFECTA WITH BLUE SCLERAE; Classic Non-deforming Osteogenesis Imperfecta with Blue Sclerae; Osteogenesis imperfecta type 1; Lobstein disease. Identifiers: Orphanet 216796, Orphanet 666, MedGen C0023931, MONDO:0008146, OMIM 166200. Disease mechanism: loss of function.

Allele frequency attached by ClinVar (database versions not stated): ExAC 0.00001; gnomAD exomes 0.00001; TOPMed 0.00002.
gnomAD v4.1: 10 of 1,614,234 alleles (0.00062%); highest among the groups gnomAD compares: South Asian, 0.0022%; no homozygotes.

Submission:

Labcorp Genetics (formerly Invitae), Labcorp
Classification: Uncertain significance for Osteogenesis imperfecta type I. Last evaluated: 2024-09-29. Review status: criteria provided, single submitter. Criteria: Invitae Variant Classification Sherloc (09022015). Collection method: clinical testing. Allele origin: germline.
Comment: This sequence change falls in intron 13 of the COL1A1 gene. It does not directly change the encoded amino acid sequence of the COL1A1 protein. It affects a nucleotide within the consensus splice site. This variant is present in population databases (rs748604968, gnomAD 0.003%). This variant has not been reported in the literature in individuals affected with COL1A1-related conditions. ClinVar contains an entry for this variant (Variation ID: 640702). Variants that disrupt the consensus splice site are a relatively common cause of aberrant splicing (PMID: 17576681, 9536098). Algorithms developed to predict the effect of sequence changes on RNA splicing suggest that this variant is not likely to affect RNA splicing. In summary, the available evidence is currently insufficient to determine the role of this variant in disease. Therefore, it has been classified as a Variant of Uncertain Significance.

Literature cited by the submitters: PubMed 17576681; PubMed 9536098.